The following is an entry in ClinVar:

ClinVar aggregate classification (germline): Uncertain significance (1 of 4 stars; one submission).

Conditions:
Autosomal dominant nonsyndromic hearing loss 23. Identifiers: Orphanet 90635, MedGen C1854594, MONDO:0011519, OMIM 605192.
Branchiootic syndrome 3 (BOS3). Also called: BO SYNDROME 3. Identifiers: MedGen C1842124, MONDO:0012025, OMIM 608389.

Submission:

Labcorp Genetics (formerly Invitae), Labcorp
Classification: Uncertain significance for Autosomal dominant nonsyndromic hearing loss 23; Branchiootic syndrome 3. Last evaluated: 2024-06-17. Review status: criteria provided, single submitter. Criteria: Invitae Variant Classification Sherloc (09022015). Collection method: clinical testing. Allele origin: germline.
Comment: This sequence change replaces proline, which is neutral and non-polar, with leucine, which is neutral and non-polar, at codon 38 of the SIX1 protein (p.Pro38Leu). This variant is not present in population databases (gnomAD no frequency). This variant has not been reported in the literature in individuals affected with SIX1-related conditions. Advanced modeling of protein sequence and biophysical properties (such as structural, functional, and spatial information, amino acid conservation, physicochemical variation, residue mobility, and thermodynamic stability) performed at Invitae indicates that this missense variant is expected to disrupt SIX1 protein function with a positive predictive value of 80%. In summary, the available evidence is currently insufficient to determine the role of this variant in disease. Therefore, it has been classified as a Variant of Uncertain Significance.

NM_005982.4(SIX1):c.113C>T (p.Pro38Leu)

Gene: SIX1 (SIX homeobox 1; minus strand). Cytogenetic location: 14q23.1.
Variant type: single nucleotide variant.
Coding change: c.113C>T on transcript NM_005982.4 (MANE Select); coding-DNA position 113, C replaced by T.
Protein change: p.Pro38Leu; replaces proline 38 with leucine.
Molecular consequence: missense variant.
Genome position (GRCh38, 1-based): chr14:60,649,077, G>A on the plus strand (C>T on the coding strand, the complement: SIX1 is on the minus strand). VCF-style: chr14-60649077-G-A. GRCh37 (hg19) VCF-style: chr14-61115795-G-A.
Other names: c.113C>T, p.Pro38Leu (NM_001425142.1); short protein forms P38L.
Identifiers: ClinVar variation 3750842 (VCV003750842.2).